The following is an entry in ClinVar:

ClinVar aggregate classification (germline): Pathogenic. Review status: criteria provided, multiple submitters, no conflicts (2 of 4 stars). 2 submissions from 2 submitters: Pathogenic (2). Last evaluated 2025-01-29.

Allele frequency attached by ClinVar (database versions not stated): gnomAD exomes below 0.00001 and 0.00001.
gnomAD v4.1: 2 of 1,209,936 alleles (0.00017%); highest among the groups gnomAD compares: Non-Finnish European, 0.00022%; no homozygotes.

Submissions (2):

GeneDx
Classification: Pathogenic. Last evaluated: 2025-01-29. Review status: criteria provided, single submitter. Criteria: GeneDx Variant Classification Process June 2021. Collection method: clinical testing. Allele origin: germline. Affected: yes.
Comment: Not observed at significant frequency in large population cohorts (gnomAD); Has not been previously published as pathogenic or benign to our knowledge; Nonsense variant predicted to result in protein truncation or nonsense mediated decay in a gene for which loss of function is a known mechanism of disease

Institute of Medical Genetics and Applied Genomics, University Hospital Tübingen
Classification: Pathogenic. Last evaluated: 2020-10-23. Review status: criteria provided, single submitter. Criteria: ACMG Guidelines, 2015. Collection method: clinical testing. Allele origin: germline. Inheritance: X-linked recessive inheritance. Affected: yes.

NM_015107.3(PHF8):c.1615C>T (p.Gln539Ter)

Gene: PHF8 (PHD finger protein 8; minus strand). Cytogenetic location: Xp11.22.
Variant type: single nucleotide variant.
Coding change: c.1615C>T on transcript NM_015107.3 (MANE Select); coding-DNA position 1615, C replaced by T.
Protein change: p.Gln539Ter; replaces glutamine 539 with a stop codon.
Molecular consequence: nonsense. On other transcripts: intron variant (1).
Genome position (GRCh38, 1-based): chrX:53,993,612, G>A on the plus strand (C>T on the coding strand, the complement: PHF8 is on the minus strand). VCF-style: chrX-53993612-G-A. GRCh37 (hg19) VCF-style: chrX-54020045-G-A.
Other names: c.1723C>T, p.Gln575Ter (NM_001184896.1); c.1615C>T, p.Gln539Ter (NM_001184898.2); c.1324-773C>T (NM_001184897.2); short protein forms Q539*, Q575*.
Identifiers: ClinVar variation 987442 (VCV000987442.7), dbSNP rs1557101975, ClinGen allele CA413257075.